The following continues an entry in ClinVar:

NM_007294.4(BRCA1):c.81-13C>G

Gene: BRCA1. ClinVar aggregate classification (germline): Benign. Benign (1).

Submissions 21 to 25 of 25:

Department of Pathology and Laboratory Medicine, Sinai Health System
Classification: Likely benign for Malignant tumor of breast. Review status: no assertion criteria provided. Collection method: clinical testing. Allele origin: unknown. Affected: yes. Study: The Canadian Open Genetics Repository (COGR). Not counted in ClinVar's aggregate classification.
Comment: The BRCA1 c.81-13C>G variant was identified in the literature but a frequency in an affected population was not provided. The variant was determined by multiple studies, using RNA analysis and a posterior probability model, to be likely neutral (Easton 2007, Houdayer 2012, Lindor 2012). The variant was also identified in dbSNP (ID: rs56328013) as "With Likely benign, other allele", ClinVar (classified as benign by ENIGMA expert panel, Invitae, SCRP and three other submitters; as likely benign by GeneDx; and as uncertain significance by two submitters), and in LOVD 3.0 (11x). The variant was not identified in UMD-LSDB. The variant was identified in control databases in 63 of 272198 chromosomes (1 homozygous) at a frequency of 0.0002 (Genome Aggregation Database Feb 27, 2017). The variant was observed in the following populations: African in 54 of 23680 chromosomes (freq: 0.002, increasing the likelihood this could be a low frequency benign variant), Latino in 6 of 33822 chromosomes (freq: 0.0002), European in 1 of 124238 chromosomes (freq: 0.000008), and South Asian in 2 of 29862 chromosomes (freq: 0.00007), while the variant was not observed in the Other, Ashkenazi Jewish, East Asian, or Finnish populations. The variant occurs outside of the splicing consensus sequence and 2 of 4 in silico or computational prediction software programs (SpliceSiteFinder, MaxEntScan, NNSPLICE, GeneSplicer) predict a greater than 10% difference in splicing; this is not very predictive of pathogenicity. In summary, based on the above information the clinical significance of this variant cannot be determined with certainty at this time although we would lean towards a more benign role for this variant. This variant is classified as likely benign.

Dr. Peter K. Rogan Lab, Western University
No classification provided (evidence only). Condition: Thymoma. Review status: no classification provided. Collection method: in vitro. Allele origin: not applicable. Functional consequence: retained intron. Not counted in ClinVar's aggregate classification.

Genome Diagnostics Laboratory, University Medical Center Utrecht
Classification: Benign. Review status: no assertion criteria provided. Collection method: clinical testing. Allele origin: germline. Affected: yes. Study: VKGL Data-share Consensus. Not counted in ClinVar's aggregate classification.

Joint Genome Diagnostic Labs from Nijmegen and Maastricht, Radboudumc and MUMC+
Classification: Benign. Review status: no assertion criteria provided. Collection method: clinical testing. Allele origin: germline. Affected: yes. Study: VKGL Data-share Consensus. Not counted in ClinVar's aggregate classification.

Laboratory of Diagnostic Genome Analysis, Leiden University Medical Center (LUMC)
Classification: Benign. Review status: no assertion criteria provided. Collection method: clinical testing. Allele origin: germline. Affected: yes. Study: VKGL Data-share Consensus. Not counted in ClinVar's aggregate classification.

Literature cited by the submitters: PubMed 21990134 (cited by 3 submitters); DOI 10.3389/fgene.2022.834265 (cited by National Health Laboratory Service, Universitas Academic Hospital and University of the Free State); PubMed 21673748 (cited by Illumina Laboratory Services, Illumina); PubMed 26334176 (cited by Illumina Laboratory Services, Illumina); PubMed 17924331 (cited by Illumina Laboratory Services, Illumina and Counsyl); PubMed 22505045 (cited by Illumina Laboratory Services, Illumina and Counsyl); PubMed 26287763 (cited by Illumina Laboratory Services, Illumina); PubMed 1673748 (cited by Counsyl).